The following is an entry in ClinVar:

ClinVar aggregate classification (germline): Likely pathogenic. Review status: criteria provided, multiple submitters, no conflicts (2 of 4 stars). 2 submissions from 2 submitters: Likely pathogenic (2). Last evaluated 2025-10-16.

Conditions:
COL1A1-related disorder. Also called: COL1A1-related condition; COL1A1- related disease.

Submissions (2):

3billion
Classification: Likely pathogenic for COL1A1-related disorder. Last evaluated: 2025-10-16. Review status: criteria provided, single submitter. Criteria: ACMG Guidelines, 2015. Collection method: clinical testing. Allele origin: germline. Affected: yes.
Comment: The variant is not observed in the gnomAD v4.1.0 dataset. Predicted Consequence/Location: The variant is located in a mutational hot spot and/or well-established functional domain in which established pathogenic variants have been reported (PMID: 19344236). In silico tool predictions suggest damaging effect of the variant on gene or gene product [REVEL: 0.99 (>=0.6, sensitivity 0.68 and specificity 0.92); 3Cnet: 0.99 (> 0.75, sensitivity 0.96 and precision 0.92)]. The same nucleotide change resulting in the same amino acid change has been previously reported to be associated with COL1A1-related disorder (ClinVar ID: VCV000439502). A different missense change at the same codon (p.Gly386Arg) has been reported to be associated with COL1A1-related disorder (ClinVar ID: VCV001704379). Therefore, this variant is classified as Likely pathogenic according to the recommendation of ACMG/AMP guideline.

ARUP Laboratories, Molecular Genetics and Genomics, ARUP Laboratories
Classification: Likely pathogenic. Last evaluated: 2017-04-22. Review status: criteria provided, single submitter. Criteria: ARUP Molecular Germline Variant Investigation Process. Collection method: clinical testing. Allele origin: germline.

NM_000088.4(COL1A1):c.1157G>A (p.Gly386Glu)

Gene: COL1A1 (collagen type I alpha 1 chain; minus strand). Cytogenetic location: 17q21.33.
Variant type: single nucleotide variant.
Coding change: c.1157G>A on transcript NM_000088.4 (MANE Select); coding-DNA position 1157, G replaced by A.
Protein change: p.Gly386Glu; replaces glycine 386 with glutamic acid.
Molecular consequence: missense variant.
Genome position (GRCh38, 1-based): chr17:50,195,477, C>T on the plus strand (G>A on the coding strand, the complement: COL1A1 is on the minus strand). VCF-style: chr17-50195477-C-T. GRCh37 (hg19) VCF-style: chr17-48272838-C-T.
Other names: short protein forms G386E.
Identifiers: ClinVar variation 439502 (VCV000439502.9), dbSNP rs1555574123, ClinGen allele CA400219346.